The following is an entry in ClinVar:

NM_000095.3(COMP):c.1201G>A (p.Asp401Asn)

Gene: COMP (cartilage oligomeric matrix protein; minus strand). Cytogenetic location: 19p13.11.
Variant type: single nucleotide variant.
Coding change: c.1201G>A on transcript NM_000095.3 (MANE Select); coding-DNA position 1201, G replaced by A.
Protein change: p.Asp401Asn; replaces aspartic acid 401 with asparagine.
Molecular consequence: missense variant.
Genome position (GRCh38, 1-based): chr19:18,786,585, C>T on the plus strand (G>A on the coding strand, the complement: COMP is on the minus strand). VCF-style: chr19-18786585-C-T. GRCh37 (hg19) VCF-style: chr19-18897395-C-T.
Other names: c.1201G>A (NM_000095.2); short protein forms D401N.
Identifiers: ClinVar variation 988295 (VCV000988295.10), dbSNP rs2055169002, ClinGen allele CA404886637.
Genomic context (GRCh38, chr19:18,786,585, plus strand): 5'-CCCTCACCTGATCCGGGTTGCTCTTCTGGGGACAGTTGTCACAGGCATCCCCTATACCAT[C>T]GCCATCACTGTCCTTCTGGTCTGAGTTGGGTACCCTAGGGCAGTTGTCGGCCTGGTTGCG-3'
Protein context (NP_000086.2, residues 391-411): PNSDQKDSDG[Asp401Asn]GIGDACDNCP

ClinVar aggregate classification (germline): Pathogenic. Review status: criteria provided, multiple submitters, no conflicts (2 of 4 stars). 4 submissions from 4 submitters: Pathogenic (4). Last evaluated 2025-03-19.

Conditions:
COMP-related disorder. Also called: COMP-related disorders; COMP-related condition.

Submissions (4):

Labcorp Genetics (formerly Invitae), Labcorp
Classification: Pathogenic. Last evaluated: 2025-03-19. Review status: criteria provided, single submitter. Criteria: Invitae Variant Classification Sherloc (09022015). Collection method: clinical testing. Allele origin: germline.
Comment: This sequence change replaces aspartic acid, which is acidic and polar, with asparagine, which is neutral and polar, at codon 401 of the COMP protein (p.Asp401Asn). This variant is not present in population databases (gnomAD no frequency). This missense change has been observed in individual(s) with multiple epiphyseal dysplasia or clinical features of pseudoachondroplasia (PMID: 15756302, 30541462; internal data). In at least one individual the variant was observed to be de novo. ClinVar contains an entry for this variant (Variation ID: 988295). Invitae Evidence Modeling of protein sequence and biophysical properties (such as structural, functional, and spatial information, amino acid conservation, physicochemical variation, residue mobility, and thermodynamic stability) indicates that this missense variant is expected to disrupt COMP protein function with a positive predictive value of 80%. This variant disrupts the p.Asp401 amino acid residue in COMP. Other variant(s) that disrupt this residue have been observed in individuals with COMP-related conditions (PMID: 24595329, 34750995), which suggests that this may be a clinically significant amino acid residue. For these reasons, this variant has been classified as Pathogenic.

Clinical Genetics Laboratory, Skane University Hospital Lund
Classification: Pathogenic. Last evaluated: 2022-07-13. Review status: criteria provided, single submitter. Criteria: ACMG Guidelines, 2015. Collection method: clinical testing. Allele origin: germline. Affected: yes.

Blueprint Genetics
Classification: Pathogenic for COMP-related disorders. Last evaluated: 2019-12-20. Review status: criteria provided, single submitter. Criteria: ACMG Guidelines, 2015. Collection method: clinical testing. Allele origin: germline. Affected: yes. Observed: 3 variant alleles.

Clinical Genetics and Genomics, Karolinska University Hospital
Classification: Pathogenic. Last evaluated: 2016-02-18. Review status: criteria provided, single submitter. Criteria: ACMG Guidelines, 2015. Collection method: clinical testing. Allele origin: germline. Affected: yes. Observed: 1 variant allele.

Literature cited by the submitters: PubMed 15756302 (cited by Labcorp Genetics (formerly Invitae), Labcorp); PubMed 30541462 (cited by Labcorp Genetics (formerly Invitae), Labcorp); PubMed 24595329 (cited by Labcorp Genetics (formerly Invitae), Labcorp); PubMed 34750995 (cited by Labcorp Genetics (formerly Invitae), Labcorp).